The following is an entry in ClinVar:

NM_002755.4(MAP2K1):c.169A>C (p.Lys57Gln)

Gene: MAP2K1 (mitogen-activated protein kinase kinase 1; plus strand). Cytogenetic location: 15q22.31.
Variant type: single nucleotide variant.
Coding change: c.169A>C on transcript NM_002755.4 (MANE Select); coding-DNA position 169, A replaced by C.
Protein change: p.Lys57Gln; replaces lysine 57 with glutamine.
Molecular consequence: missense variant.
Genome position (GRCh38, 1-based): chr15:66,435,115, A>C. VCF-style: chr15-66435115-A-C. GRCh37 (hg19) VCF-style: chr15-66727453-A-C.
Other names: p.K57Q:AAG>CAG; NM_002755.3(MAP2K1):c.169A>C; short protein forms K57Q.
Identifiers: ClinVar variation 40779 (VCV000040779.16), dbSNP rs397516790, ClinGen allele CA134595.

ClinVar aggregate classification (germline): Likely pathogenic. Review status: reviewed by expert panel (3 of 4 stars). 5 submissions from 5 submitters: Likely pathogenic (1). 4 of the submissions do not count toward it. Last evaluated 2017-05-09.

Conditions:
Cardio-facio-cutaneous syndrome. Also called: Cardiofaciocutaneous syndrome; CFC syndrome. Identifiers: Orphanet 1340, MedGen C1275081, MONDO:0015280. Disease mechanism: gain of function.
Cardiofaciocutaneous syndrome 3 (CFC3). Also called: MAP2K1-Related Cardiofaciocutaneous Syndrome. Identifiers: Orphanet 1340, MedGen C3809006, MONDO:0014113, OMIM 615279.
RASopathy. Also called: Noonan spectrum disorder; rasopathies. Identifiers: Orphanet 536391, MedGen C5555857, MONDO:0021060.

Submissions (5):

ClinGen RASopathy Variant Curation Expert Panel
Classification: Likely pathogenic for Noonan syndrome and Noonan-related syndrome. Last evaluated: 2017-05-09. Review status: reviewed by expert panel. Criteria: ClinGen RASopathy ACMG Specifications v1. Collection method: curation. Allele origin: germline. Inheritance: Autosomal dominant inheritance.
Comment: The c.169A>C (p.Lys57Gln) variant in MAP2K1 has been reported in the literature as an unconfirmed de novo occurrence in a patient with clinical features of a RASopathy (PM6; Partners LMM GeneDx internal data 26957, 21766; ClinVar SCV000061249.5; SCV000207949.2). This variant was absent from large population studies (PM2; ExAC). Computational prediction tools and conservation analysis suggest that the p.Lys57Gln variant may impact the protein (PP3). The variant is located in the MAP2K1 gene, which has been defined by the ClinGen RASopathy Expert Panel as a gene with a low rate of benign missense variants and pathogenic missense variants are common (PP2; PMID: 29493581). In summary, this variant meets criteria to be classified as likely pathogenic for RASopathies in an autosomal dominant manner. RASopathy-specific ACMG/AMP criteria applied (PMID:29493581): PM6, PM2, PP3, PP2.

Variantyx, Inc.
Classification: Likely pathogenic for Cardiofaciocutaneous syndrome 3. Last evaluated: 2025-06-19. Review status: criteria provided, single submitter. Criteria: Variantyx Assertion Criteria 2022. Collection method: clinical testing. Allele origin: de novo. Inheritance: Autosomal dominant inheritance. Affected: yes. Not counted in ClinVar's aggregate classification.
Comment: This is a nonsynonymous variant in the MAP2K1 gene (OMIM: 176872). Pathogenic variants in this gene have been associated with autosomal dominant cardiofaciocutaneous syndrome 3. It has been reported in at least one affected individuals (PMID: 35524774) (PS4). This variant lies within a known hotspot for pathogenic variants or a well-established critical functional domain of the MAP2K1 protein (PM1), and multiple computational algorithms predict a deleterious effect for this variant (REVEL score: 0.726) (PP3). This variant is absent from control populations (PM2). Other reputable laboratories have reported this variant as pathogenic or likely pathogenic, and this classification has been validated by an expert panel in ClinVar (PP5). Based on the current evidence, this variant is classified as likely pathogenic for autosomal dominant cardiofaciocutaneous syndrome 3.

GeneDx
Classification: Likely pathogenic for Rasopathy. Last evaluated: 2019-02-14. Review status: criteria provided, single submitter. Criteria: GeneDx Variant Classification (06012015). Collection method: clinical testing. Allele origin: germline. Affected: yes. Not counted in ClinVar's aggregate classification.
Comment: To our knowledge, this variant has neither been published as a Pathogenic variant, nor has it been reported as a benign polymorphism. The K57Q missense change is considered to be a non-conservative amino acid substitution, as a positively charged residue (Lys) is replaced by a neutral residue (Gln) at a position in the protein that is highly conserved across species and within related proteins. Furthermore, missense changes in nearby codons (F53S and T55P) have previously been reported in association with cardio-facio-cutaneous syndrome and Costello syndrome, respectively, which are other disorders of the RAS/MAPK pathway (Rodriguez - Viciana et al., 2006; Nava et al., 2007). Therefore, K57Q is considered to be a likely pathogenic variant.

Labcorp Genetics (formerly Invitae), Labcorp
Classification: Uncertain significance for RASopathy. Last evaluated: 2018-06-24. Review status: criteria provided, single submitter. Criteria: Invitae Variant Classification Sherloc (09022015). Collection method: clinical testing. Allele origin: germline. Not counted in ClinVar's aggregate classification.
Comment: In summary, the available evidence is currently insufficient to determine the role of this variant in disease. Therefore, it has been classified as a Variant of Uncertain Significance. Experimental studies have shown that this missense change causes increased downstream phosphorylation of ERK (PMID: 18632602). This variant has not been reported in the literature in individuals with MAP2K1-related disease. ClinVar contains an entry for this variant (Variation ID: 40779). This variant is not present in population databases (ExAC no frequency). This sequence change replaces lysine with glutamine at codon 57 of the MAP2K1 protein (p.Lys57Gln). The lysine residue is highly conserved and there is a small physicochemical difference between lysine and glutamine.

Laboratory for Molecular Medicine, Mass General Brigham Personalized Medicine
Classification: Likely pathogenic for Cardio-facio-cutaneous syndrome. Last evaluated: 2016-02-11. Review status: criteria provided, single submitter. Criteria: LMM Criteria. Collection method: clinical testing. Allele origin: germline. Inheritance: Autosomal dominant inheritance. Observed: 1 variant allele. Not counted in ClinVar's aggregate classification.
Comment: proposed classification - variant undergoing re-assessment, contact laboratory

Literature cited by the submitters: PubMed 35524774 (cited by Variantyx, Inc.); PubMed 18632602 (cited by Labcorp Genetics (formerly Invitae), Labcorp and Laboratory for Molecular Medicine, Mass General Brigham Personalized Medicine); PubMed 20354455 (cited by Laboratory for Molecular Medicine, Mass General Brigham Personalized Medicine).